The following is an entry in ClinVar:

ClinVar aggregate classification (germline): Likely benign. Review status: criteria provided, multiple submitters, no conflicts (2 of 4 stars). 4 submissions from 4 submitters: Likely benign (4). Last evaluated 2024-09-24.

Conditions:
Cardiomyopathy (CMYO). Also called: Cardiomyopathies. Identifiers: Orphanet 167848, MedGen C0878544, MONDO:0004994, HP:0001638. Inheritance: Various modes of inheritance.
Hypertrophic cardiomyopathy. Also called: HYPERTROPHIC MYOCARDIOPATHY. Identifiers: Orphanet 217569, MedGen C0007194, MeSH D002312, MONDO:0005045, HP:0001639.

Allele frequency attached by ClinVar (database versions not stated): TOPMed below 0.00001; gnomAD 0.00001.
gnomAD v4.1: 6 of 1,614,080 alleles (0.00037%); highest among the groups gnomAD compares: Non-Finnish European, 0.00051%; no homozygotes.

Submissions (4):

Labcorp Genetics (formerly Invitae), Labcorp
Classification: Likely benign for Hypertrophic cardiomyopathy. Last evaluated: 2024-09-24. Review status: criteria provided, single submitter. Criteria: Invitae Variant Classification Sherloc (09022015). Collection method: clinical testing. Allele origin: germline.

All of Us Research Program, National Institutes of Health
Classification: Likely benign for Cardiomyopathy. Last evaluated: 2023-11-20. Review status: criteria provided, single submitter. Criteria: ACMG Guidelines, 2015. Collection method: clinical testing. Allele origin: germline. Inheritance: Autosomal dominant inheritance. Observed: 2 variant alleles, 2 heterozygotes.
Comment: This study involves interpretation of variants in research participants for the purpose of population health screening. Participant phenotype was not available at the time of variant classification. Additional details can be found in publication PMID: 35346344, PMCID: PMC8962531

Blueprint Genetics
Classification: Likely benign. Last evaluated: 2023-02-24. Review status: criteria provided, single submitter. Criteria: ACMG Guidelines, 2015. Collection method: clinical testing. Allele origin: germline.

Color Diagnostics, LLC DBA Color Health
Classification: Likely benign for Cardiomyopathy. Last evaluated: 2018-12-13. Review status: criteria provided, single submitter. Criteria: ACMG Guidelines, 2015. Collection method: clinical testing. Allele origin: germline.

NM_000257.4(MYH7):c.5158-12C>T

Genes: MHRT (myosin heavy chain associated RNA transcript; plus strand), MYH7 (myosin heavy chain 7; minus strand), LOC126861897 (BRD4-independent group 4 enhancer GRCh37_chr14:23884455-23885654; plus strand). Cytogenetic location: 14q11.2.
Variant type: single nucleotide variant.
Coding change: c.5158-12C>T on transcript NM_000257.4 (MANE Select); 12 bases into the intron before coding-DNA position 5158, C replaced by T.
Molecular consequence: intron variant.
Genome position (GRCh38, 1-based): chr14:23,415,518, G>A on the plus strand (C>T on the coding strand, the complement: MYH7 is on the minus strand). VCF-style: chr14-23415518-G-A. GRCh37 (hg19) VCF-style: chr14-23884727-G-A.
Identifiers: ClinVar variation 918964 (VCV000918964.6), dbSNP rs1020453843, ClinGen allele CA257809560.